The following is an entry in ClinVar:

NM_020944.3(GBA2):c.1780G>C (p.Asp594His)

Gene: GBA2 (glucosylceramidase beta 2; minus strand). Cytogenetic location: 9p13.3.
Variant type: single nucleotide variant.
Coding change: c.1780G>C on transcript NM_020944.3 (MANE Select); coding-DNA position 1780, G replaced by C.
Protein change: p.Asp594His; replaces aspartic acid 594 with histidine.
Molecular consequence: missense variant.
Genome position (GRCh38, 1-based): chr9:35,739,017, C>G on the plus strand (G>C on the coding strand, the complement: GBA2 is on the minus strand). VCF-style: chr9-35739017-C-G. GRCh37 (hg19) VCF-style: chr9-35739014-C-G.
Other names: c.1780G>C, p.Asp594His (NM_001330660.2); short protein forms D594H.
Identifiers: ClinVar variation 92166 (VCV000092166.3), dbSNP rs398123064, ClinGen allele CA145524.

ClinVar aggregate classification (germline): Likely pathogenic. Review status: criteria provided, single submitter (1 of 4 stars). 2 submissions from 2 submitters: Likely pathogenic (1). 1 of the submissions does not count toward it. Last evaluated 2019-01-25.

Conditions:
Hereditary spastic paraplegia 46. Also called: Spastic paraplegia 46, autosomal recessive. Identifiers: Orphanet 320391, MedGen C2828721, MONDO:0013737, OMIM 614409.

Submissions (2):

SIB Swiss Institute of Bioinformatics
Classification: Likely pathogenic for Hereditary spastic paraplegia 46. Last evaluated: 2019-01-25. Review status: criteria provided, single submitter. Criteria: ACMG Guidelines, 2015. Collection method: curation. Allele origin: unknown.
Comment: This variant is interpreted as a Likely pathogenic for Spastic paraplegia 46, autosomal recessive. The following ACMG Tag(s) were applied: PM2 : Absent from controls (or at extremely low frequency if recessive) in Exome Sequencing Project, 1000 Genomes Project, or Exome Aggregation Consortium. PS3 : Well-established functional studies show a deleterious effect (PMID:26220345,30308956). PP1 : Cosegregation with disease in multiple affected family members in a gene definitively known to cause the disease (PMID:24252062). PP3 : Multiple lines of computational evidence support a deleterious effect on the gene or gene product.

OMIM
Classification: Pathogenic for SPASTIC PARAPLEGIA 46, AUTOSOMAL RECESSIVE. Last evaluated: 2014-01-01. Review status: no assertion criteria provided. Collection method: literature only. Allele origin: germline. Not counted in ClinVar's aggregate classification.

Literature cited by the submitters: PubMed 24252062 (cited by SIB Swiss Institute of Bioinformatics and OMIM); PubMed 30308956 (cited by SIB Swiss Institute of Bioinformatics); PubMed 26220345 (cited by SIB Swiss Institute of Bioinformatics).